The following is an entry in ClinVar:

ClinVar aggregate classification (germline): Uncertain significance. Review status: criteria provided, multiple submitters, no conflicts (2 of 4 stars). 3 submissions from 3 submitters: Uncertain significance (3). Last evaluated 2025-03-05.

Allele frequency attached by ClinVar (database versions not stated): TOPMed below 0.00001; gnomAD 0.00001; gnomAD exomes 0.00004.
gnomAD v4.1: 57 of 1,570,946 alleles (0.0036%); highest among the groups gnomAD compares: Non-Finnish European, 0.0049%; no homozygotes.

Submissions (3):

Labcorp Genetics (formerly Invitae), Labcorp
Classification: Uncertain significance. Last evaluated: 2025-03-05. Review status: criteria provided, single submitter. Criteria: Invitae Variant Classification Sherloc (09022015). Collection method: clinical testing. Allele origin: germline.
Comment: This sequence change replaces threonine, which is neutral and polar, with asparagine, which is neutral and polar, at codon 1611 of the COL11A2 protein (p.Thr1611Asn). The frequency data for this variant in the population databases is considered unreliable, as metrics indicate poor data quality at this position in the gnomAD database. This variant has not been reported in the literature in individuals affected with COL11A2-related conditions. ClinVar contains an entry for this variant (Variation ID: 2041546). Invitae Evidence Modeling of protein sequence and biophysical properties (such as structural, functional, and spatial information, amino acid conservation, physicochemical variation, residue mobility, and thermodynamic stability) indicates that this missense variant is expected to disrupt COL11A2 protein function with a positive predictive value of 80%. In summary, the available evidence is currently insufficient to determine the role of this variant in disease. Therefore, it has been classified as a Variant of Uncertain Significance.

GeneDx
Classification: Uncertain significance. Last evaluated: 2024-05-16. Review status: criteria provided, single submitter. Criteria: GeneDx Variant Classification Process June 2021. Collection method: clinical testing. Allele origin: germline. Affected: yes.
Comment: Has not been previously published as pathogenic or benign to our knowledge; Not observed at significant frequency in large population cohorts (gnomAD); In silico analysis supports that this missense variant has a deleterious effect on protein structure/function

Blueprint Genetics
Classification: Uncertain significance. Last evaluated: 2019-12-02. Review status: criteria provided, single submitter. Criteria: ACMG Guidelines, 2015. Collection method: clinical testing. Allele origin: germline.

NM_080680.3(COL11A2):c.4832C>A (p.Thr1611Asn)

Gene: COL11A2 (collagen type XI alpha 2 chain; minus strand). Cytogenetic location: 6p21.32.
Variant type: single nucleotide variant.
Coding change: c.4832C>A on transcript NM_080680.3 (MANE Select); coding-DNA position 4832, C replaced by A.
Protein change: p.Thr1611Asn; replaces threonine 1611 with asparagine.
Molecular consequence: missense variant.
Genome position (GRCh38, 1-based): chr6:33,164,883, G>T on the plus strand (C>A on the coding strand, the complement: COL11A2 is on the minus strand). VCF-style: chr6-33164883-G-T. GRCh37 (hg19) VCF-style: chr6-33132660-G-T.
Other names: c.4511C>A, p.Thr1504Asn (NM_080679.3); c.4574C>A, p.Thr1525Asn (NM_080681.3); c.4832C>A (NM_080680.2); short protein forms T1504N, T1525N, T1611N.
Identifiers: ClinVar variation 2041546 (VCV002041546.4), dbSNP rs1313578155, ClinGen allele CA363617482.